The following is an entry in ClinVar:

NM_144997.7(FLCN):c.1565C>T (p.Thr522Ile)

Gene: FLCN (folliculin; minus strand). Cytogenetic location: 17p11.2.
Variant type: single nucleotide variant.
Coding change: c.1565C>T on transcript NM_144997.7 (MANE Select); coding-DNA position 1565, C replaced by T.
Protein change: p.Thr522Ile; replaces threonine 522 with isoleucine.
Molecular consequence: missense variant.
Genome position (GRCh38, 1-based): chr17:17,213,830, G>A on the plus strand (C>T on the coding strand, the complement: FLCN is on the minus strand). VCF-style: chr17-17213830-G-A. GRCh37 (hg19) VCF-style: chr17-17117144-G-A.
Other names: c.1619C>T, p.Thr540Ile (NM_001353229.2); c.1565C>T, p.Thr522Ile (NM_001353230.2, NM_001353231.2); short protein forms T522I, T540I.
Identifiers: ClinVar variation 819524 (VCV000819524.7), dbSNP rs1597574324, ClinGen allele CA398530478.

ClinVar aggregate classification (germline): Uncertain significance. Review status: criteria provided, multiple submitters, no conflicts (2 of 4 stars). 3 submissions from 3 submitters: Uncertain significance (3). Last evaluated 2026-04-08.

Conditions:
Birt-Hogg-Dube syndrome. Also called: Birt Hogg Dubé syndrome. Identifiers: Orphanet 122, MedGen C0346010, MONDO:0800444.
FLCN-related disorder. Also called: FLCN-related condition.
Hereditary cancer-predisposing syndrome. Also called: Neoplastic Syndromes, Hereditary; Hereditary Cancer Syndrome; Tumor predisposition; Hereditary neoplastic syndrome. Identifiers: Orphanet 140162, MedGen C0027672, MeSH D009386, MONDO:0015356.

Submissions (3):

PreventionGenetics, part of Exact Sciences
Classification: Uncertain significance for FLCN-related condition. Last evaluated: 2026-04-08. Review status: criteria provided, single submitter. Criteria: ACMG Guidelines, 2015. Collection method: clinical testing. Allele origin: germline.
Comment: The FLCN c.1565C>T variant is predicted to result in the amino acid substitution p.Thr522Ile. To our knowledge, this variant has not been reported in the literature or in a large population database (gnomAD), indicating this variant is rare. This variant is classified as a variant of uncertain significance in the ClinVar database (Variation ID: 819524). At this time, the clinical significance of this variant is uncertain due to the absence of conclusive functional and genetic evidence.

Baylor Genetics
Classification: Uncertain significance for Birt-Hogg-Dube syndrome 1. Last evaluated: 2023-09-15. Review status: criteria provided, single submitter. Criteria: ACMG Guidelines, 2015. Collection method: clinical testing. Allele origin: unknown.

Ambry Genetics
Classification: Uncertain significance for Hereditary cancer-predisposing syndrome. Last evaluated: 2023-05-22. Review status: criteria provided, single submitter. Criteria: Ambry Variant Classification Scheme 2023. Collection method: clinical testing. Allele origin: germline.
Comment: The p.T522I variant (also known as c.1565C>T), located in coding exon 11 of the FLCN gene, results from a C to T substitution at nucleotide position 1565. The threonine at codon 522 is replaced by isoleucine, an amino acid with similar properties. This amino acid position is not well conserved in available vertebrate species. In addition, the in silico prediction for this alteration is inconclusive. Since supporting evidence is limited at this time, the clinical significance of this alteration remains unclear.